The following is an entry in ClinVar:

ClinVar aggregate classification (germline): Uncertain significance (1 of 4 stars; one submission).

Conditions:
Hereditary breast ovarian cancer syndrome. Also called: Hereditary breast and ovarian cancer syndrome; Breast and ovarian cancer; Hereditary breast and ovarian cancer syndrome (HBOC); Hereditary breast and ovarian cancer; BRCA1- and BRCA2-Associated Hereditary Breast and Ovarian Cancer; Hereditary breast and/or ovarian cancer syndrome. Identifiers: Orphanet 145, MedGen C0677776, MeSH D061325, MONDO:0003582. Disease mechanism: loss of function.

Submission:

Labcorp Genetics (formerly Invitae), Labcorp
Classification: Uncertain significance for Hereditary breast ovarian cancer syndrome. Last evaluated: 2024-07-03. Review status: criteria provided, single submitter. Criteria: Invitae Variant Classification Sherloc (09022015). Collection method: clinical testing. Allele origin: germline.
Comment: This sequence change replaces serine, which is neutral and polar, with threonine, which is neutral and polar, at codon 2046 of the BRCA2 protein (p.Ser2046Thr). This variant is not present in population databases (gnomAD no frequency). This variant has not been reported in the literature in individuals affected with BRCA2-related conditions. Advanced modeling of protein sequence and biophysical properties (such as structural, functional, and spatial information, amino acid conservation, physicochemical variation, residue mobility, and thermodynamic stability) performed at Invitae indicates that this missense variant is not expected to disrupt BRCA2 protein function with a negative predictive value of 95%. In summary, the available evidence is currently insufficient to determine the role of this variant in disease. Therefore, it has been classified as a Variant of Uncertain Significance.

NM_000059.4(BRCA2):c.6136T>A (p.Ser2046Thr)

Gene: BRCA2 (BRCA2 DNA repair associated; plus strand). Cytogenetic location: 13q13.1.
Variant type: single nucleotide variant.
Coding change: c.6136T>A on transcript NM_000059.4 (MANE Select); coding-DNA position 6136, T replaced by A.
Protein change: p.Ser2046Thr; replaces serine 2046 with threonine.
Molecular consequence: missense variant. On other transcripts: non-coding transcript variant (1), intron variant (2).
Genome position (GRCh38, 1-based): chr13:32,340,491, T>A. VCF-style: chr13-32340491-T-A. GRCh37 (hg19) VCF-style: chr13-32914628-T-A.
Other names: c.6136T>A, p.Ser2046Thr (NM_001406719.1, NM_001406720.1, NM_001432077.1); c.1910-4067T>A (NM_001406721.1); c.425-4067T>A (NM_001406722.1); short protein forms S2046T.
Identifiers: ClinVar variation 3616666 (VCV003616666.2).
Genomic context (GRCh38, chr13:32,340,491, plus strand): 5'-ACAAGAGAAGAAAATACTGCTATACGTACTCCAGAACATTTAATATCCCAAAAAGGCTTT[T>A]CATATAATGTGGTAAATTCATCTGCTTTCTCTGGATTTAGTACAGCAAGTGGAAAGCAAG-3'
Protein context (NP_000050.3, residues 2036-2056): PEHLISQKGF[Ser2046Thr]YNVVNSSAFS